The following is an entry in ClinVar:

NM_207037.2(TCF12):c.268C>T (p.Arg90Ter)

Gene: TCF12 (transcription factor 12; plus strand). Cytogenetic location: 15q21.3.
Variant type: single nucleotide variant.
Coding change: c.268C>T on transcript NM_207037.2 (MANE Select); coding-DNA position 268, C replaced by T.
Protein change: p.Arg90Ter; replaces arginine 90 with a stop codon.
Molecular consequence: nonsense. On other transcripts: 5 prime UTR variant (1).
Genome position (GRCh38, 1-based): chr15:57,091,834, C>T. VCF-style: chr15-57091834-C-T. GRCh37 (hg19) VCF-style: chr15-57384032-C-T.
Other names: c.268C>T, p.Arg90Ter (NM_001322151.2, NM_001322152.2, NM_001322157.3 and 7 more transcripts); c.-385C>T (NM_001322154.2); c.94C>T, p.Arg32Ter (NM_001322156.2, NM_001322158.2); c.304C>T, p.Arg102Ter (NM_001322164.2); c.268C>T (NM_207037.1); short protein forms R102*, R32*, R90*.
Identifiers: ClinVar variation 1527944 (VCV001527944.6), dbSNP rs747222651, ClinGen allele CA7580802.

ClinVar aggregate classification (germline): Pathogenic/Likely pathogenic. Review status: criteria provided, multiple submitters, no conflicts (2 of 4 stars). 4 submissions from 4 submitters: Pathogenic (1); Likely pathogenic (3). Last evaluated 2026-08-01.

Conditions:
TCF12-related disorder. Also called: TCF12-related condition.
TCF12-related craniosynostosis. Also called: Craniosynostosis 3. Identifiers: Orphanet 35098, Orphanet 35099, Orphanet 672979, MedGen C3715051, MONDO:0014128, OMIM 615314.

Allele frequency attached by ClinVar (database versions not stated): gnomAD exomes below 0.00001; TOPMed below 0.00001; ExAC 0.00001.
gnomAD v4.1: 3 of 1,613,820 alleles (0.00019%); highest among the groups gnomAD compares: Non-Finnish European, 0.00025%; no homozygotes.

Submissions (4):

GeneDx
Classification: Likely pathogenic. Last evaluated: 2026-08-01. Review status: criteria provided, single submitter. Criteria: GeneDx Variant Classification Process June 2021. Collection method: clinical testing. Allele origin: germline.
Comment: Identified as a de novo variant in a patient with cleft palate and bifid uvula in published literature; however, coronal synostosis or other common physical characteristics of TCF12-related disorder were not reported (PMID: 37010288); Not observed at significant frequency in large population cohorts (gnomAD); Nonsense variant predicted to result in protein truncation or nonsense mediated decay in a gene for which loss of function is a known mechanism of disease; This variant is associated with the following publications: (PMID: 35982159, 38113761, 33057194, 37010288, 35468861)

Victorian Clinical Genetics Services, Murdoch Childrens Research Institute
Classification: Pathogenic for TCF12-related craniosynostosis. Last evaluated: 2024-10-08. Review status: criteria provided, single submitter. Criteria: ACMG Guidelines, 2015. Collection method: clinical testing. Allele origin: germline. Inheritance: Autosomal dominant inheritance. Affected: yes.
Comment: Based on the classification scheme VCGS_Germline_v1.3.4, this variant is classified as Pathogenic. Following criteria are met: 0102 - Loss of function is a known mechanism of disease in this gene and is associated with craniosynostosis 3 (MIM#615314) and hypogonadotropic hypogonadism 26 with or without anosmia (MIM#619718). (I) 0107 - This gene is associated with autosomal dominant disease. However, a rare report of autosomal recessive inheritance has also been reported (PMID: 32629054). (I) 0112 - The condition associated with this gene has incomplete penetrance (PMID: 32629054). (I) 0201 - Variant is predicted to cause nonsense-mediated decay (NMD) and loss of protein (premature termination codon is located at least 54 nucleotides upstream of the final exon-exon junction). (SP) 0251 - This variant is heterozygous. (I) 0301 - Variant is absent from gnomAD (both v2 and v3). (SP) 0701 - Many other NMD-predicted variants comparable to the one identified in this case have very strong previous evidence for pathogenicity (DECIPHER). (SP) 0801 - This variant has strong previous evidence of pathogenicity in unrelated individuals. This variant has been classified as likely pathogenic in an individual de novo for this variant in ClinVar. This variant has also been observed in an individual de novo for this variant with TCF12-related symptoms (PMID: 35468861). (SP) 0905 - No published segregation evidence has been identified for this variant. (I) 1007 - No published functional evidence has been identified for this variant. (I) Legend: (SP) - Supporting pathogenic, (I) - Information, (SB) - Supporting benign

Provincial Medical Genetics Program of British Columbia, University of British Columbia
Classification: Likely pathogenic for TCF12-related craniosynostosis. Last evaluated: 2022-01-01. Review status: criteria provided, single submitter. Criteria: ACMG Guidelines, 2015. Collection method: clinical testing. Allele origin: de novo. Affected: yes.

Blueprint Genetics
Classification: Likely pathogenic for TCF12-related disorders. Last evaluated: 2020-03-04. Review status: criteria provided, single submitter. Criteria: ACMG Guidelines, 2015. Collection method: clinical testing. Allele origin: germline. Affected: yes. Observed: 1 variant allele.

Literature cited by the submitters: PubMed 32629054 (cited by Victorian Clinical Genetics Services, Murdoch Childrens Research Institute); PubMed 35468861 (cited by Victorian Clinical Genetics Services, Murdoch Childrens Research Institute).